The following is an entry in ClinVar:

NM_019066.5(MAGEL2):c.2281G>C (p.Ala761Pro)

Gene: MAGEL2 (MAGE family member L2; minus strand). Cytogenetic location: 15q11.2.
Variant type: single nucleotide variant.
Coding change: c.2281G>C on transcript NM_019066.5 (MANE Select); coding-DNA position 2281, G replaced by C.
Protein change: p.Ala761Pro; replaces alanine 761 with proline.
Molecular consequence: missense variant.
Genome position (GRCh38, 1-based): chr15:23,645,462, C>G on the plus strand (G>C on the coding strand, the complement: MAGEL2 is on the minus strand). VCF-style: chr15-23645462-C-G. GRCh37 (hg19) VCF-style: chr15-23890609-C-G.
Other names: short protein forms A761P.
Identifiers: ClinVar variation 193405 (VCV000193405.54), dbSNP rs146970674, ClinGen allele CA238923.

ClinVar aggregate classification (germline): Conflicting classifications of pathogenicity. Review status: criteria provided, conflicting classifications (1 of 4 stars). 11 submissions from 11 submitters: Uncertain significance (1); Benign (2); Likely benign (4). 4 of the submissions do not count toward it. Last evaluated 2026-01-01.

Allele frequency attached by ClinVar (database versions not stated): ESP Exome Variant Server 0.00049; TOPMed 0.00060; gnomAD exomes 0.00074; gnomAD 0.00083.

Submissions (11):

CeGaT Center for Human Genetics Tuebingen
Classification: Likely benign. Last evaluated: 2026-01-01. Review status: criteria provided, single submitter. Criteria: CeGaT Center For Human Genetics Tuebingen Variant Classification Criteria Version 2. Collection method: clinical testing. Allele origin: germline. Affected: yes. Observed: 11 variant alleles.
Comment: MAGEL2: BP4, BS1

Labcorp Genetics (formerly Invitae), Labcorp
Classification: Likely benign. Last evaluated: 2025-12-02. Review status: criteria provided, single submitter. Criteria: Invitae Variant Classification Sherloc (09022015). Collection method: clinical testing. Allele origin: germline.

Laboratory of Genetics, Children's Clinical University Hospital Latvia
Classification: Benign. Last evaluated: 2025-02-16. Review status: criteria provided, single submitter. Criteria: ACMG Guidelines, 2015. Collection method: clinical testing. Allele origin: germline. Affected: yes.

Blueprint Genetics
Classification: Likely benign. Last evaluated: 2024-11-15. Review status: criteria provided, single submitter. Criteria: ACMG Guidelines, 2015. Collection method: clinical testing. Allele origin: germline.

GeneDx
Classification: Benign. Last evaluated: 2020-04-23. Review status: criteria provided, single submitter. Criteria: GeneDx Variant Classification Process June 2021. Collection method: clinical testing. Allele origin: germline. Affected: yes.
Comment: In silico analysis, which includes protein predictors and evolutionary conservation, supports that this variant does not alter protein structure/function; Has not been previously published as pathogenic or benign to our knowledge; Observed in 0.0831% (233/280288 alleles) in large population cohorts (Lek et al., 2016)

Eurofins Ntd Llc (ga)
Classification: Uncertain significance. Last evaluated: 2017-10-20. Review status: criteria provided, single submitter. Criteria: EGL Classification Definitions 2015. Collection method: clinical testing. Allele origin: germline. Observed: 3 variant alleles, 3 heterozygotes.

Center for Pediatric Genomic Medicine, Children's Mercy Hospital and Clinics
Classification: Likely benign. Last evaluated: 2017-02-17. Review status: criteria provided, single submitter. Criteria: ACMG Guidelines, 2015. Collection method: clinical testing. Allele origin: germline.

Clinical Genetics DNA and cytogenetics Diagnostics Lab, Erasmus MC, Erasmus Medical Center
Classification: Likely benign. Review status: no assertion criteria provided. Collection method: clinical testing. Allele origin: germline. Affected: yes. Study: VKGL Data-share Consensus. Not counted in ClinVar's aggregate classification.

Clinical Genetics, Academic Medical Center
Classification: Likely benign. Review status: no assertion criteria provided. Collection method: clinical testing. Allele origin: germline. Affected: yes. Study: VKGL Data-share Consensus. Not counted in ClinVar's aggregate classification.

Genome Diagnostics Laboratory, University Medical Center Utrecht
Classification: Likely benign. Review status: no assertion criteria provided. Collection method: clinical testing. Allele origin: germline. Affected: yes. Study: VKGL Data-share Consensus. Not counted in ClinVar's aggregate classification.

Laboratory of Diagnostic Genome Analysis, Leiden University Medical Center (LUMC)
Classification: Likely benign. Review status: no assertion criteria provided. Collection method: clinical testing. Allele origin: germline. Affected: yes. Study: VKGL Data-share Consensus. Not counted in ClinVar's aggregate classification.